The following is an entry in ClinVar:

GRCh37/hg19 1q21.3(chr1:152227976-152312326)x1

Gene: FLG (filaggrin; minus strand). Cytogenetic location: 1q21.3.
Variant type: copy number loss.
Change: copy number 1 (one copy instead of two) of chr1:152,227,976-152,312,326 (84.4 kb, GRCh37 coordinates, 1-based), cytogenetic band 1q21.3.
Identifiers: ClinVar variation 814128 (VCV000814128.2).

ClinVar aggregate classification (germline): Pathogenic (1 of 4 stars; one submission).

Submission:

Quest Diagnostics Nichols Institute San Juan Capistrano
Classification: Pathogenic. Last evaluated: 2026-06-05. Review status: criteria provided, single submitter. Criteria: ACMG/ClinGen CNV Guidelines, 2019. Collection method: clinical testing. Allele origin: unknown.
Comment: This deletion involves the gene FLG (OMIM 135940). Haploinsufficiency of FLG has been associated with an autosomal dominant susceptibility to skin disorders such as atopic dermatitis (OMIM 605803) or ichthyosis vulgaris (OMIM 146700), and susceptibility to other conditions such as allergies and asthma (CCID:007145). Additionally, biallelic variants of FLG have been associated with an autosomal recessive more severe presentation of ichthyosis vulgaris. A partial deletion of FLG has been reported in an individual with unspecified neurodevelopmental disorder (Cao 2022). There are no similar copy number losses spanning this region in the general populations of the Database of Genomic Variants. Thus, based on current medical literature, this copy number variant (CNV) is classified as pathogenic with incomplete penetrance.

Literature cited by the submitters: PubMed 35495136.